The following is an entry in ClinVar:

NM_000494.4(COL17A1):c.2240del (p.Pro747fs)

Genes: COL17A1 (collagen type XVII alpha 1 chain; minus strand), MIR936 (microRNA 936; minus strand). Cytogenetic location: 10q25.1.
Variant type: Deletion.
Coding change: c.2240del on transcript NM_000494.4 (MANE Select); coding-DNA position 2240, one base deleted (C; older notation c.2240delC).
Protein change: p.Pro747fs; shifts the reading frame from proline 747.
Molecular consequence: frameshift variant. On other transcripts: non-coding transcript variant (1).
Genome position (GRCh38, 1-based): chr10:104,048,092, G deleted on the plus strand (C on the coding strand, the reverse complement: COL17A1 is on the minus strand); the first of 3 consecutive G bases (chr10:104,048,092-104,048,094); deleting any one gives the same sequence. VCF-style (leftmost placement, unchanged base first): chr10-104048091-TG-T. GRCh37 (hg19) VCF-style: chr10-105807849-TG-T.
Other names: short protein forms P747fs.
Identifiers: ClinVar variation 3603652 (VCV003603652.2).

ClinVar aggregate classification (germline): Pathogenic (1 of 4 stars; one submission).

Submission:

Labcorp Genetics (formerly Invitae), Labcorp
Classification: Pathogenic. Last evaluated: 2024-02-09. Review status: criteria provided, single submitter. Criteria: Invitae Variant Classification Sherloc (09022015). Collection method: clinical testing. Allele origin: germline.
Comment: This sequence change creates a premature translational stop signal (p.Pro747Glnfs*52) in the COL17A1 gene. It is expected to result in an absent or disrupted protein product. Loss-of-function variants in COL17A1 are known to be pathogenic (PMID: 16473856, 17344927, 20301304, 21357940, 24319098). This variant is not present in population databases (gnomAD no frequency). This premature translational stop signal has been observed in individual(s) with junctional epidermolysis bullosa (PMID: 33393081). For these reasons, this variant has been classified as Pathogenic.

Literature cited by the submitters: PubMed 16473856; PubMed 17344927; PubMed 20301304; PubMed 21357940; PubMed 24319098; PubMed 33393081.